The following is an entry in ClinVar:

ClinVar aggregate classification (germline): Conflicting classifications of pathogenicity. Review status: criteria provided, conflicting classifications (1 of 4 stars). 3 submissions from 3 submitters: Uncertain significance (2); Benign (1). Last evaluated 2023-01-10.

Conditions:
TRRAP-related disorder. Also called: TRRAP-related condition.
Inborn genetic diseases. Identifiers: MedGen C0950123, MeSH D030342.

Allele frequency attached by ClinVar (database versions not stated): gnomAD exomes below 0.00001.
gnomAD v4.1: 1 of 1,614,186 alleles (0.000062%); highest among the groups gnomAD compares: South Asian, 0.0011%; no homozygotes.

Submissions (3):

PreventionGenetics, part of Exact Sciences
Classification: Uncertain significance for TRRAP-related condition. Last evaluated: 2023-01-10. Review status: criteria provided, single submitter. Criteria: ACMG Guidelines, 2015. Collection method: clinical testing. Allele origin: germline.
Comment: The TRRAP c.3253A>C variant is predicted to result in the amino acid substitution p.Lys1085Gln. To our knowledge, this variant has not been reported in the literature. This variant is reported in 0.0033% of alleles in individuals of South Asian descent in gnomAD. At this time, the clinical significance of this variant is uncertain due to the absence of conclusive functional and genetic evidence.

Ambry Genetics
Classification: Uncertain significance for Inborn genetic diseases. Last evaluated: 2022-06-08. Review status: criteria provided, single submitter. Criteria: Ambry Variant Classification Scheme 2023. Collection method: clinical testing. Allele origin: germline.

Labcorp Genetics (formerly Invitae), Labcorp
Classification: Benign. Last evaluated: 2022-03-22. Review status: criteria provided, single submitter. Criteria: Invitae Variant Classification Sherloc (09022015). Collection method: clinical testing. Allele origin: germline.

NM_001375524.1(TRRAP):c.3253A>C (p.Lys1085Gln)

Gene: TRRAP (transformation/transcription domain associated protein; plus strand). Cytogenetic location: 7q22.1.
Variant type: single nucleotide variant.
Coding change: c.3253A>C on transcript NM_001375524.1 (MANE Select); coding-DNA position 3253, A replaced by C.
Protein change: p.Lys1085Gln; replaces lysine 1085 with glutamine.
Molecular consequence: missense variant.
Genome position (GRCh38, 1-based): chr7:98,930,066, A>C. VCF-style: chr7-98930066-A-C. GRCh37 (hg19) VCF-style: chr7-98527689-A-C.
Other names: c.3253A>C (NM_003496.3); c.3253A>C, p.Lys1085Gln (NM_001244580.2, NM_003496.4); short protein forms K1085Q.
Identifiers: ClinVar variation 2099740 (VCV002099740.6), dbSNP rs556868058, ClinGen allele CA163078161.